The following is an entry in ClinVar:

NM_004260.4(RECQL4):c.325C>T (p.Leu109Phe)

Gene: RECQL4 (RecQ like helicase 4; minus strand). Cytogenetic location: 8q24.3.
Variant type: single nucleotide variant.
Coding change: c.325C>T on transcript NM_004260.4 (MANE Select); coding-DNA position 325, C replaced by T.
Protein change: p.Leu109Phe; replaces leucine 109 with phenylalanine.
Molecular consequence: missense variant.
Genome position (GRCh38, 1-based): chr8:144,517,079, G>A on the plus strand (C>T on the coding strand, the complement: RECQL4 is on the minus strand). VCF-style: chr8-144517079-G-A. GRCh37 (hg19) VCF-style: chr8-145742463-G-A.
Other names: short protein forms L109F.
Identifiers: ClinVar variation 947350 (VCV000947350.7), dbSNP rs1815226105, ClinGen allele CA372691981.

ClinVar aggregate classification (germline): Uncertain significance. Review status: criteria provided, multiple submitters, no conflicts (2 of 4 stars). 2 submissions from 2 submitters: Uncertain significance (2). Last evaluated 2025-05-02.

Conditions:
Inborn genetic diseases. Identifiers: MedGen C0950123, MeSH D030342.
Baller-Gerold syndrome (BGS). Also called: CRANIOSYNOSTOSIS WITH RADIAL DEFECTS. Identifiers: Orphanet 1225, MedGen C0265308, MONDO:0009039, OMIM 218600.

gnomAD v4.1: 3 of 1,612,206 alleles (0.00019%); highest among the groups gnomAD compares: African/African-American, 0.0027%; no homozygotes.

Submissions (2):

Ambry Genetics
Classification: Uncertain significance for Inborn genetic diseases. Last evaluated: 2025-05-02. Review status: criteria provided, single submitter. Criteria: Ambry Variant Classification Scheme 2023. Collection method: clinical testing. Allele origin: germline.
Comment: The p.L109F variant (also known as c.325C>T), located in coding exon 4 of the RECQL4 gene, results from a C to T substitution at nucleotide position 325. The leucine at codon 109 is replaced by phenylalanine, an amino acid with highly similar properties. This amino acid position is conserved. In addition, the in silico prediction for this alteration is inconclusive. Based on the available evidence, the clinical significance of this variant remains unclear.

Labcorp Genetics (formerly Invitae), Labcorp
Classification: Uncertain significance for Baller-Gerold syndrome. Last evaluated: 2022-01-04. Review status: criteria provided, single submitter. Criteria: Invitae Variant Classification Sherloc (09022015). Collection method: clinical testing. Allele origin: germline.
Comment: This sequence change replaces leucine, which is neutral and non-polar, with phenylalanine, which is neutral and non-polar, at codon 109 of the RECQL4 protein (p.Leu109Phe). This variant is not present in population databases (gnomAD no frequency). This variant has not been reported in the literature in individuals affected with RECQL4-related conditions. ClinVar contains an entry for this variant (Variation ID: 947350). In summary, the available evidence is currently insufficient to determine the role of this variant in disease. Therefore, it has been classified as a Variant of Uncertain Significance.